The following is an entry in ClinVar:

ClinVar aggregate classification (germline): Uncertain significance (1 of 4 stars; one submission).

Conditions:
Gorlin syndrome. Also called: Nevoid Basal Cell Carcinoma Syndrome; Basal cell nevus syndrome. Identifiers: Orphanet 377, MedGen C0004779, MONDO:0007187.

Submission:

Labcorp Genetics (formerly Invitae), Labcorp
Classification: Uncertain significance for Gorlin syndrome. Last evaluated: 2023-03-04. Review status: criteria provided, single submitter. Criteria: Invitae Variant Classification Sherloc (09022015). Collection method: clinical testing. Allele origin: germline.
Comment: This sequence change replaces tyrosine, which is neutral and polar, with serine, which is neutral and polar, at codon 222 of the PTCH1 protein (p.Tyr222Ser). This variant is not present in population databases (gnomAD no frequency). This variant has not been reported in the literature in individuals affected with PTCH1-related conditions. Advanced modeling of protein sequence and biophysical properties (such as structural, functional, and spatial information, amino acid conservation, physicochemical variation, residue mobility, and thermodynamic stability) performed at Invitae indicates that this missense variant is not expected to disrupt PTCH1 protein function. In summary, the available evidence is currently insufficient to determine the role of this variant in disease. Therefore, it has been classified as a Variant of Uncertain Significance.

NM_000264.5(PTCH1):c.665A>C (p.Tyr222Ser)

Gene: PTCH1 (patched 1; minus strand). Cytogenetic location: 9q22.32.
Variant type: single nucleotide variant.
Coding change: c.665A>C on transcript NM_000264.5 (MANE Select); coding-DNA position 665, A replaced by C.
Protein change: p.Tyr222Ser; replaces tyrosine 222 with serine.
Molecular consequence: missense variant. On other transcripts: non-coding transcript variant (1).
Genome position (GRCh38, 1-based): chr9:95,482,030, T>G on the plus strand (A>C on the coding strand, the complement: PTCH1 is on the minus strand). VCF-style: chr9-95482030-T-G. GRCh37 (hg19) VCF-style: chr9-98244312-T-G.
Other names: c.467A>C, p.Tyr156Ser (NM_001083602.3, NM_001354919.2); c.662A>C, p.Tyr221Ser (NM_001083603.3); c.212A>C, p.Tyr71Ser (NM_001083604.3, NM_001083605.3, NM_001083606.3 and 1 more transcripts); c.665A>C, p.Tyr222Ser (NM_001354918.2); short protein forms Y221S, Y222S, Y156S, Y71S.
Identifiers: ClinVar variation 2842764 (VCV002842764.3), dbSNP rs2118466331, ClinGen allele CA374114970.